The following is an entry in ClinVar:

ClinVar aggregate classification (germline): Uncertain significance (1 of 4 stars; one submission).

Submission:

Labcorp Genetics (formerly Invitae), Labcorp
Classification: Uncertain significance. Last evaluated: 2022-04-06. Review status: criteria provided, single submitter. Criteria: Invitae Variant Classification Sherloc (09022015). Collection method: clinical testing. Allele origin: germline.
Comment: In summary, the available evidence is currently insufficient to determine the role of this variant in disease. Therefore, it has been classified as a Variant of Uncertain Significance. Algorithms developed to predict the effect of missense changes on protein structure and function (SIFT, PolyPhen-2, Align-GVGD) all suggest that this variant is likely to be tolerated. This variant has not been reported in the literature in individuals affected with TRAF3IP1-related conditions. This variant is not present in population databases (gnomAD no frequency). This sequence change replaces serine, which is neutral and polar, with phenylalanine, which is neutral and non-polar, at codon 324 of the TRAF3IP1 protein (p.Ser324Phe).

NM_015650.4(TRAF3IP1):c.971C>T (p.Ser324Phe)

Gene: TRAF3IP1 (TRAF3 interacting protein 1; plus strand). Cytogenetic location: 2q37.3.
Variant type: single nucleotide variant.
Coding change: c.971C>T on transcript NM_015650.4 (MANE Select); coding-DNA position 971, C replaced by T.
Protein change: p.Ser324Phe; replaces serine 324 with phenylalanine.
Molecular consequence: missense variant.
Genome position (GRCh38, 1-based): chr2:238,332,879, C>T. VCF-style: chr2-238332879-C-T. GRCh37 (hg19) VCF-style: chr2-239241520-C-T.
Other names: c.971C>T, p.Ser324Phe (NM_001139490.1); short protein forms S324F.
Identifiers: ClinVar variation 1973022 (VCV001973022.5), dbSNP rs1444924257, ClinGen allele CA351248148.